The following is an entry in ClinVar:

NM_000245.4(MET):c.4027A>G (p.Thr1343Ala)

Gene: MET (MET proto-oncogene, receptor tyrosine kinase; plus strand). Cytogenetic location: 7q31.2.
Variant type: single nucleotide variant.
Coding change: c.4027A>G on transcript NM_000245.4 (MANE Select); coding-DNA position 4027, A replaced by G.
Protein change: p.Thr1343Ala; replaces threonine 1343 with alanine.
Molecular consequence: missense variant.
Genome position (GRCh38, 1-based): chr7:116,795,978, A>G. VCF-style: chr7-116795978-A-G. GRCh37 (hg19) VCF-style: chr7-116436032-A-G.
Other names: c.4081A>G, p.Thr1361Ala (NM_001127500.3); c.2737A>G, p.Thr913Ala (NM_001324402.2); c.4027A>G (NM_000245.2); short protein forms T1361A, T1343A, T913A.
Identifiers: ClinVar variation 2910021 (VCV002910021.4), dbSNP rs1584978380, ClinGen allele CA369118238.

ClinVar aggregate classification (germline): Uncertain significance. Review status: criteria provided, multiple submitters, no conflicts (2 of 4 stars). 2 submissions from 2 submitters: Uncertain significance (2). Last evaluated 2026-07-06.

Conditions:
Hereditary cancer-predisposing syndrome. Also called: Hereditary Cancer Syndrome; Hereditary neoplastic syndrome; Neoplastic Syndromes, Hereditary; Tumor predisposition. Identifiers: Orphanet 140162, MedGen C0027672, MeSH D009386, MONDO:0015356.
Renal cell carcinoma. Identifiers: Orphanet 217071, MedGen C0007134, MeSH D002292, MONDO:0005086, HP:0005584.

Submissions (2):

Ambry Genetics
Classification: Uncertain significance for Hereditary cancer-predisposing syndrome. Last evaluated: 2026-07-06. Review status: criteria provided, single submitter. Criteria: Ambry Variant Classification Scheme 2023. Collection method: clinical testing. Allele origin: germline.
Comment: The p.T1343A variant (also known as c.4027A>G), located in coding exon 20 of the MET gene, results from an A to G substitution at nucleotide position 4027. The threonine at codon 1343 is replaced by alanine, an amino acid with similar properties. This amino acid position is conserved. In addition, this alteration is predicted to be tolerated by in silico analysis. Based on the available evidence, the clinical significance of this variant remains unclear.

Labcorp Genetics (formerly Invitae), Labcorp
Classification: Uncertain significance for Renal cell carcinoma. Last evaluated: 2023-03-04. Review status: criteria provided, single submitter. Criteria: Invitae Variant Classification Sherloc (09022015). Collection method: clinical testing. Allele origin: germline.
Comment: In summary, the available evidence is currently insufficient to determine the role of this variant in disease. Therefore, it has been classified as a Variant of Uncertain Significance. Advanced modeling of protein sequence and biophysical properties (such as structural, functional, and spatial information, amino acid conservation, physicochemical variation, residue mobility, and thermodynamic stability) performed at Invitae indicates that this missense variant is not expected to disrupt MET protein function. This variant has not been reported in the literature in individuals affected with MET-related conditions. This variant is not present in population databases (gnomAD no frequency). This sequence change replaces threonine, which is neutral and polar, with alanine, which is neutral and non-polar, at codon 1361 of the MET protein (p.Thr1361Ala).